The following is an entry in ClinVar:

NM_020708.5(SLC12A5):c.3173_3175del (p.Glu1058del)

Gene: SLC12A5 (solute carrier family 12 member 5; plus strand). Cytogenetic location: 20q13.12.
Variant type: Deletion.
Coding change: c.3173_3175del on transcript NM_020708.5 (MANE Select); coding-DNA positions 3173 to 3175, 3 bases deleted (AGG; older notation c.3173_3175delAGG).
Protein change: p.Glu1058del; deletes glutamic acid 1058.
Molecular consequence: inframe deletion.
Genome position (GRCh38, 1-based): chr20:46,057,217-46,057,219, AGG deleted; deleting any 3 consecutive bases within chr20:46,057,216-46,057,219 gives the same sequence; the c. name uses the placement nearest the transcript's 3' end. VCF-style (leftmost placement, unchanged base first): chr20-46057215-CGAG-C. GRCh37 (hg19) VCF-style: chr20-44685854-CGAG-C.
Other names: c.3242_3244del, p.Glu1081del (NM_001134771.2); short protein forms E1081del, E1058del.
Identifiers: ClinVar variation 1047286 (VCV001047286.11), dbSNP rs2084704275, ClinGen allele CA2366499951.

ClinVar aggregate classification (germline): Uncertain significance (1 of 4 stars; one submission).

Conditions:
Developmental and epileptic encephalopathy, 34 (DEE34). Also called: SLC12A5-Related Epilepsy of Infancy with Migrating Focal Seizures; Early infantile epileptic encephalopathy 34. Identifiers: Orphanet 293181, MedGen C4225257, MONDO:0014718, OMIM 616645.

Submission:

Labcorp Genetics (formerly Invitae), Labcorp
Classification: Uncertain significance for Developmental and epileptic encephalopathy, 34. Last evaluated: 2020-01-23. Review status: criteria provided, single submitter. Criteria: Invitae Variant Classification Sherloc (09022015). Collection method: clinical testing. Allele origin: germline.
Comment: This variant has not been reported in the literature in individuals with SLC12A5-related conditions. Experimental studies and prediction algorithms are not available or were not evaluated, and the functional significance of this variant is currently unknown. In summary, the available evidence is currently insufficient to determine the role of this variant in disease. Therefore, it has been classified as a Variant of Uncertain Significance. This variant is not present in population databases (ExAC no frequency). This variant, c.3173_3175del, results in the deletion of 1 amino acid(s) of the SLC12A5 protein (p.Glu1058del), but otherwise preserves the integrity of the reading frame.